The following is an entry in ClinVar:

NM_004304.5(ALK):c.3512T>G (p.Ile1171Ser)

Gene: ALK (ALK receptor tyrosine kinase; minus strand). Cytogenetic location: 2p23.2.
Variant type: single nucleotide variant.
Coding change: c.3512T>G on transcript NM_004304.5 (MANE Select); coding-DNA position 3512, T replaced by G.
Protein change: p.Ile1171Ser; replaces isoleucine 1171 with serine.
Molecular consequence: missense variant.
Genome position (GRCh38, 1-based): chr2:29,222,347, A>C on the plus strand (T>G on the coding strand, the complement: ALK is on the minus strand). VCF-style: chr2-29222347-A-C. GRCh37 (hg19) VCF-style: chr2-29445213-A-C.
Other names: c.308T>G, p.Ile103Ser (NM_001353765.2); short protein forms I103S, I1171S.
Identifiers: ClinVar variation 4530187 (VCV004530187.1).
Genomic context (GRCh38, chr2:29,222,347, plus strand): 5'-CCAGGTTCTTTGGGGGCAGAGGGGAGTTGGGGTGAGGGTGTCTCTCTGTGGCTTTACCTG[A>C]TGATCAGGGCTTCCATGAGGAAATCCAGTTCGTCCTGTTCAGAGCACACTTCAGGCAGCG-3'
Protein context (NP_004295.2, residues 1161-1181): ELDFLMEALI[Ile1171Ser]SKFNHQNIVR

ClinVar aggregate classification (somatic clinical impact): Tier I - Strong (1 of 4 stars; one submission).

Conditions:
Neuroblastoma (NB). Identifiers: Orphanet 635, MedGen C0027819, MeSH D009447, MONDO:0005072, HP:0003006.

Submission:

Institute for Genomic Medicine (IGM) Clinical Laboratory, Nationwide Children's Hospital
Classification: Tier I - Strong for Neuroblastoma. Assertion type: diagnostic. Clinical significance: supports diagnosis. Last evaluated: 2025-06-05. Review status: criteria provided, single submitter. Criteria: AMP/ASCO/CAP Guidelines, 2017. Collection method: clinical testing. Allele origin: somatic. Affected: yes.
Comment: Variant has Tier I (strong) clinical significance as a diagnostic inclusion criterion in neuroblastoma, based on the following evidence: 1) Documented in one or more cancer databases (e.g., St. Jude Pecan, COSMIC, CIViC, OncoKB). 2) Appears in one or more well-established professional guidelines (e.g., World Health Organization [WHO]; National Comprehensive Cancer Network [NCCN]) as providing diagnostic, prognostic, or therapeutic information. 3) Diagnostic for a specific tumor type/classification based on well-powered studies with expert-level consensus (Evidence Level B; PMIDs: 21632861, 23334666, 18923523, 18923524, 25517749, 34250410, 33056981, 30523111, 40036726).

Literature cited by the submitters: PubMed 21632861; PubMed 23334666; PubMed 18923523; PubMed 18923524; PubMed 25517749; PubMed 34250410; PubMed 33056981; PubMed 30523111; PubMed 40036726.